The following is an entry in ClinVar:

NM_020778.5(ALPK3):c.422+5G>C

Gene: ALPK3 (alpha kinase 3; plus strand). Cytogenetic location: 15q25.3.
Variant type: single nucleotide variant.
Coding change: c.422+5G>C on transcript NM_020778.5 (MANE Select); 5 bases into the intron after coding-DNA position 422, G replaced by C.
Molecular consequence: intron variant.
Genome position (GRCh38, 1-based): chr15:84,839,102, G>C. VCF-style: chr15-84839102-G-C. GRCh37 (hg19) VCF-style: chr15-85382333-G-C.
Identifiers: ClinVar variation 1464124 (VCV001464124.6), dbSNP rs2141555726, ClinGen allele CA2573151289.

ClinVar aggregate classification (germline): Uncertain significance (1 of 4 stars; one submission).

Submission:

Labcorp Genetics (formerly Invitae), Labcorp
Classification: Uncertain significance. Last evaluated: 2024-03-28. Review status: criteria provided, single submitter. Criteria: Invitae Variant Classification Sherloc (09022015). Collection method: clinical testing. Allele origin: germline.
Comment: This sequence change falls in intron 4 of the ALPK3 gene. It does not directly change the encoded amino acid sequence of the ALPK3 protein. It affects a nucleotide within the consensus splice site. This variant is not present in population databases (gnomAD no frequency). This variant has not been reported in the literature in individuals affected with ALPK3-related conditions. ClinVar contains an entry for this variant (Variation ID: 1464124). Variants that disrupt the consensus splice site are a relatively common cause of aberrant splicing (PMID: 17576681, 9536098). Algorithms developed to predict the effect of sequence changes on RNA splicing suggest that this variant is not likely to affect RNA splicing. In summary, the available evidence is currently insufficient to determine the role of this variant in disease. Therefore, it has been classified as a Variant of Uncertain Significance.

Literature cited by the submitters: PubMed 17576681; PubMed 9536098.